The following is an entry in ClinVar:

NM_152564.5(VPS13B):c.8621+6A>G

Gene: VPS13B (vacuolar protein sorting 13 homolog B; plus strand). Cytogenetic location: 8q22.2.
Variant type: single nucleotide variant.
Coding change: c.8621+6A>G on transcript NM_152564.5 (MANE Select); 6 bases into the intron after coding-DNA position 8621, A replaced by G.
Molecular consequence: intron variant.
Genome position (GRCh38, 1-based): chr8:99,818,894, A>G. VCF-style: chr8-99818894-A-G. GRCh37 (hg19) VCF-style: chr8-100831122-A-G.
Other names: c.8621+6A>G (NM_152564.4); c.8696+6A>G (NM_017890.5).
Identifiers: ClinVar variation 1987307 (VCV001987307.2), dbSNP rs766934830, ClinGen allele CA4824500.

ClinVar aggregate classification (germline): Conflicting classifications of pathogenicity. Review status: criteria provided, conflicting classifications (1 of 4 stars). 2 submissions from 2 submitters: Uncertain significance (1); Likely benign (1). Last evaluated 2026-08-12.

Conditions:
VPS13B-related disorder. Also called: VPS13B-related condition.
Cohen syndrome (COH1). Also called: PEPPER SYNDROME; Cutis verticis gyrata, retinitis pigmentosa, and sensorineural deafness. Identifiers: Orphanet 193, MedGen C0265223, MONDO:0008999, OMIM 216550.

Allele frequency attached by ClinVar (database versions not stated): ExAC 0.00001; gnomAD 0.00001; gnomAD exomes 0.00001.
gnomAD v4.1: 15 of 1,612,832 alleles (0.00093%); highest among the groups gnomAD compares: East Asian, 0.0022%; no homozygotes.

Submissions (2):

PreventionGenetics, part of Exact Sciences
Classification: Likely benign for VPS13B-related condition. Last evaluated: 2026-08-12. Review status: criteria provided, single submitter. Criteria: ACMG Guidelines, 2015. Collection method: clinical testing. Allele origin: germline.
Comment: This variant is classified as likely benign based on ACMG/AMP sequence variant interpretation guidelines (Richards et al. 2015 PMID: 25741868, with internal and published modifications).

Labcorp Genetics (formerly Invitae), Labcorp
Classification: Uncertain significance for Cohen syndrome. Last evaluated: 2022-08-09. Review status: criteria provided, single submitter. Criteria: Invitae Variant Classification Sherloc (09022015). Collection method: clinical testing. Allele origin: germline.
Comment: This sequence change falls in intron 47 of the VPS13B gene. It does not directly change the encoded amino acid sequence of the VPS13B protein. It affects a nucleotide within the consensus splice site. This variant is present in population databases (rs766934830, gnomAD 0.003%). This variant has not been reported in the literature in individuals affected with VPS13B-related conditions. Variants that disrupt the consensus splice site are a relatively common cause of aberrant splicing (PMID: 17576681, 9536098). Algorithms developed to predict the effect of sequence changes on RNA splicing suggest that this variant is not likely to affect RNA splicing. In summary, the available evidence is currently insufficient to determine the role of this variant in disease. Therefore, it has been classified as a Variant of Uncertain Significance.

Literature cited by the submitters: PubMed 17576681 (cited by Labcorp Genetics (formerly Invitae), Labcorp); PubMed 9536098 (cited by Labcorp Genetics (formerly Invitae), Labcorp).